The following is an entry in ClinVar:

NM_002458.3(MUC5B):c.8303G>C (p.Arg2768Pro)

Genes: MUC5B (mucin 5B, oligomeric mucus/gel-forming; plus strand), MUC5B-AS1 (MUC5B antisense RNA 1; minus strand). Cytogenetic location: 11p15.5.
Variant type: single nucleotide variant.
Coding change: c.8303G>C on transcript NM_002458.3 (MANE Select); coding-DNA position 8303, G replaced by C.
Protein change: p.Arg2768Pro; replaces arginine 2768 with proline.
Molecular consequence: missense variant.
Genome position (GRCh38, 1-based): chr11:1,245,183, G>C. VCF-style: chr11-1245183-G-C. GRCh37 (hg19) VCF-style: chr11-1266413-G-C.
Other names: c.8303G>C (NM_002458.2); short protein forms R2768P.
Identifiers: ClinVar variation 3250744 (VCV003250744.19), dbSNP rs199856425.
Genomic context (GRCh38, chr11:1,245,183, plus strand): 5'-CGAACACCACGGCCACCACACACGGGCGATCCCTGTCCCCCAGCAGTCCCCACACGGTGC[G>C]CACAGCCTGGACTTCGGCCACCTCAGGCACCTTGGGCACCACCCACATCACAGAGCCTTC-3'
Protein context (NP_002449.2, residues 2758-2778): SLSPSSPHTV[Arg2768Pro]TAWTSATSGT

ClinVar aggregate classification (germline): Likely benign. Review status: criteria provided, multiple submitters, no conflicts (2 of 4 stars). 2 submissions from 2 submitters: Likely benign (2). Last evaluated 2025-08-02.

Allele frequency attached by ClinVar (database versions not stated): gnomAD 0.00052; 1000 Genomes Project 30x 0.00265; 1000 Genomes Project 0.01597.

Submissions (2):

Ambry Genetics
Classification: Likely benign. Last evaluated: 2025-08-02. Review status: criteria provided, single submitter. Criteria: Ambry Variant Classification Scheme 2023. Collection method: clinical testing. Allele origin: germline.

CeGaT Center for Human Genetics Tuebingen
Classification: Likely benign. Last evaluated: 2024-07-01. Review status: criteria provided, single submitter. Criteria: CeGaT Center For Human Genetics Tuebingen Variant Classification Criteria Version 2. Collection method: clinical testing. Allele origin: germline. Affected: yes. Observed: 1 variant allele.
Comment: MUC5B: BP4, BS1